The following is an entry in ClinVar:

ClinVar aggregate classification (germline): Conflicting classifications of pathogenicity. Review status: criteria provided, conflicting classifications (1 of 4 stars). 5 submissions from 5 submitters: Uncertain significance (1); Benign (1); Likely benign (2). 1 of the submissions does not count toward it. Last evaluated 2025-10-28.

Conditions:
Inborn genetic diseases. Identifiers: MedGen C0950123, MeSH D030342.
Cataract 19 multiple types. Also called: CATARACT 19, CONGENITAL TOTAL; CATARACT 19, CORTICAL PULVERULENT. Identifiers: Orphanet 91492, MedGen C3809004, MONDO:0014111, OMIM 615277.
LIM2-related disorder. Also called: LIM2-related condition.

Allele frequency attached by ClinVar (database versions not stated): ESP Exome Variant Server 0.00046; gnomAD 0.00068 and 0.00076; TOPMed 0.00085; gnomAD exomes 0.00101 and 0.00112; ExAC 0.00104; 1000 Genomes Project 30x 0.00125; 1000 Genomes Project 0.00140.
gnomAD v4.1: 1,714 of 1,614,188 alleles (0.11%); highest among the groups gnomAD compares: East Asian, 1.4%; 5 homozygotes.

Submissions (5):

Labcorp Genetics (formerly Invitae), Labcorp
Classification: Benign for Cataract 19 multiple types. Last evaluated: 2025-10-28. Review status: criteria provided, single submitter. Criteria: Invitae Variant Classification Sherloc (09022015). Collection method: clinical testing. Allele origin: germline.

Ambry Genetics
Classification: Likely benign for Inborn genetic diseases. Last evaluated: 2023-12-27. Review status: criteria provided, single submitter. Criteria: Ambry Variant Classification Scheme 2023. Collection method: clinical testing. Allele origin: germline.

GeneDx
Classification: Likely benign. Last evaluated: 2021-05-19. Review status: criteria provided, single submitter. Criteria: GeneDx Variant Classification Process June 2021. Collection method: clinical testing. Allele origin: germline. Affected: yes.
Comment: See Variant Classification Assertion Criteria.

Illumina Laboratory Services, Illumina
Classification: Uncertain significance for Cataract 19 multiple types. Last evaluated: 2017-04-27. Review status: criteria provided, single submitter. Criteria: ICSL Variant Classification Criteria 13 December 2019. Collection method: clinical testing. Allele origin: germline.
Comment: This variant was observed as part of a predisposition screen in an ostensibly healthy population. A literature search was performed for the gene, cDNA change, and amino acid change (where applicable). Publications were found based on this search. However, the evidence from the literature, in combination with allele frequency data from public databases where available, was not sufficient to rule this variant in or out of causing disease. Therefore, this variant is classified as a variant of unknown significance.

PreventionGenetics, part of Exact Sciences
Classification: Likely benign for LIM2-related condition. Last evaluated: 2019-08-28. Review status: no assertion criteria provided. Collection method: clinical testing. Allele origin: germline. Not counted in ClinVar's aggregate classification.
Comment: This variant is classified as likely benign based on ACMG/AMP sequence variant interpretation guidelines (Richards et al. 2015 PMID: 25741868, with internal and published modifications).

Literature cited by the submitters: PubMed 21386927 (cited by Illumina Laboratory Services, Illumina).

NM_001161748.2(LIM2):c.57G>A (p.Leu19=)

Gene: LIM2 (lens intrinsic membrane protein 2; minus strand). Cytogenetic location: 19q13.41.
Variant type: single nucleotide variant.
Coding change: c.57G>A on transcript NM_001161748.2 (MANE Select); coding-DNA position 57, G replaced by A.
Protein change: p.Leu19=; no amino-acid change (leucine 19 retained).
Molecular consequence: synonymous variant.
Genome position (GRCh38, 1-based): chr19:51,387,387, C>T on the plus strand (G>A on the coding strand, the complement: LIM2 is on the minus strand). VCF-style: chr19-51387387-C-T. GRCh37 (hg19) VCF-style: chr19-51890641-C-T.
Other names: c.57G>A, p.Leu19= (NM_030657.4).
Identifiers: ClinVar variation 541269 (VCV000541269.17), dbSNP rs142517355, ClinGen allele CA9611641.